The following is an entry in ClinVar:

ClinVar aggregate classification (germline): Uncertain significance (1 of 4 stars; one submission).

gnomAD v4.1: 21 of 1,583,916 alleles (0.0013%); highest among the groups gnomAD compares: African/African-American, 0.0067%; no homozygotes.

Submission:

GeneDx
Classification: Uncertain significance. Last evaluated: 2024-10-14. Review status: criteria provided, single submitter. Criteria: GeneDx Variant Classification Process June 2021. Collection method: clinical testing. Allele origin: germline. Affected: yes.
Comment: In silico analysis indicates that this missense variant does not alter protein structure/function; Has not been previously published as pathogenic or benign to our knowledge

NM_016239.4(MYO15A):c.7387G>A (p.Val2463Met)

Gene: MYO15A (myosin XVA; plus strand). Cytogenetic location: 17p11.2.
Variant type: single nucleotide variant.
Coding change: c.7387G>A on transcript NM_016239.4 (MANE Select); coding-DNA position 7387, G replaced by A.
Protein change: p.Val2463Met; replaces valine 2463 with methionine.
Molecular consequence: missense variant.
Genome position (GRCh38, 1-based): chr17:18,150,757, G>A. VCF-style: chr17-18150757-G-A. GRCh37 (hg19) VCF-style: chr17-18054071-G-A.
Other names: short protein forms V2463M.
Identifiers: ClinVar variation 3777616 (VCV003777616.1).